The following is an entry in ClinVar:

ClinVar aggregate classification (germline): Likely benign. Review status: criteria provided, multiple submitters, no conflicts (2 of 4 stars). 3 submissions from 3 submitters: Likely benign (2). 1 of the submissions does not count toward it. Last evaluated 2026-01-11.

Conditions:
Usher syndrome type 2A. Also called: USHER SYNDROME, TYPE IIA; RETINAL DISEASE IN USHER SYNDROME TYPE IIA, MODIFIER OF. Identifiers: Orphanet 231178, Orphanet 886, MedGen C1848634, MONDO:0010169, OMIM 276901.
USH2A-related disorder. Also called: USH2A-related condition; USH2A-related disorders. Identifiers: MedGen CN239332.

Allele frequency attached by ClinVar (database versions not stated): ESP Exome Variant Server 0.00008; gnomAD 0.00012 and 0.00013; 1000 Genomes Project 30x 0.00016; TOPMed 0.00018; 1000 Genomes Project 0.00020.
gnomAD v4.1: 37 of 1,614,202 alleles (0.0023%); highest among the groups gnomAD compares: African/African-American, 0.04%; no homozygotes.

Submissions (3):

Labcorp Genetics (formerly Invitae), Labcorp
Classification: Likely benign. Last evaluated: 2026-01-11. Review status: criteria provided, single submitter. Criteria: Invitae Variant Classification Sherloc (09022015). Collection method: clinical testing. Allele origin: germline.

PreventionGenetics, part of Exact Sciences
Classification: Likely benign for USH2A-related condition. Last evaluated: 2025-09-17. Review status: criteria provided, single submitter. Criteria: ACMG Guidelines, 2015. Collection method: clinical testing. Allele origin: germline.
Comment: This variant is classified as likely benign based on ACMG/AMP sequence variant interpretation guidelines (Richards et al. 2015 PMID: 25741868, with internal and published modifications).

Natera, Inc.
Classification: Uncertain significance for Usher syndrome type 2A. Last evaluated: 2020-09-16. Review status: no assertion criteria provided. Collection method: clinical testing. Allele origin: germline. Not counted in ClinVar's aggregate classification.

NM_206933.4(USH2A):c.15117C>T (p.Ser5039=)

Gene: USH2A (usherin; minus strand). Cytogenetic location: 1q41.
Variant type: single nucleotide variant.
Coding change: c.15117C>T on transcript NM_206933.4 (MANE Select); coding-DNA position 15117, C replaced by T.
Protein change: p.Ser5039=; no amino-acid change (serine 5039 retained).
Molecular consequence: synonymous variant.
Genome position (GRCh38, 1-based): chr1:215,634,639, G>A on the plus strand (C>T on the coding strand, the complement: USH2A is on the minus strand). VCF-style: chr1-215634639-G-A. GRCh37 (hg19) VCF-style: chr1-215807981-G-A.
Identifiers: ClinVar variation 856648 (VCV000856648.8), dbSNP rs148499621, ClinGen allele CA1392783.
Genomic context (GRCh38, chr1:215,634,639, plus strand): 5'-CAGAAAAATGGCCAACAAGATCAAGCCCAGCATCGCCATTAACACTATGAACCACAGCTC[G>A]CTGTAGAACTCTGTGCTTTTGCTCCGCGATCCCTTCTTTTTCCCAGGAGTTGTTAGGACC-3'
Protein context (NP_996816.3, residues 5029-5049): GSRSKSTEFY[Ser5039=]ELWFIVLMAM